The following is an entry in ClinVar:

NM_003126.4(SPTA1):c.5431C>T (p.Arg1811Ter)

Gene: SPTA1 (spectrin alpha, erythrocytic 1; minus strand). Cytogenetic location: 1q23.1.
Variant type: single nucleotide variant.
Coding change: c.5431C>T on transcript NM_003126.4 (MANE Select); coding-DNA position 5431, C replaced by T.
Protein change: p.Arg1811Ter; replaces arginine 1811 with a stop codon.
Molecular consequence: nonsense.
Genome position (GRCh38, 1-based): chr1:158,635,914, G>A on the plus strand (C>T on the coding strand, the complement: SPTA1 is on the minus strand). VCF-style: chr1-158635914-G-A. GRCh37 (hg19) VCF-style: chr1-158605704-G-A.
Other names: short protein forms R1811*.
Identifiers: ClinVar variation 2428537 (VCV002428537.6), dbSNP rs770137350, ClinGen allele CA1182310.

ClinVar aggregate classification (germline): Pathogenic. Review status: criteria provided, multiple submitters, no conflicts (2 of 4 stars). 3 submissions from 3 submitters: Pathogenic (3). Last evaluated 2025-04-15.

Allele frequency attached by ClinVar (database versions not stated): TOPMed below 0.00001; ExAC 0.00001; gnomAD 0.00002.
gnomAD v4.1: 9 of 1,614,002 alleles (0.00056%); highest among the groups gnomAD compares: African/African-American, 0.004%; no homozygotes.

Submissions (3):

Labcorp Genetics (formerly Invitae), Labcorp
Classification: Pathogenic. Last evaluated: 2025-04-15. Review status: criteria provided, single submitter. Criteria: Invitae Variant Classification Sherloc (09022015). Collection method: clinical testing. Allele origin: germline.
Comment: This sequence change creates a premature translational stop signal (p.Arg1811*) in the SPTA1 gene. It is expected to result in an absent or disrupted protein product. Loss-of-function variants in SPTA1 are known to be pathogenic (PMID: 9192783, 18815189, 31333484, 31723846, 32266426). This variant is present in population databases (rs770137350, gnomAD 0.008%). This variant has not been reported in the literature in individuals affected with SPTA1-related conditions. ClinVar contains an entry for this variant (Variation ID: 2428537). For these reasons, this variant has been classified as Pathogenic.

Revvity Omics, Revvity
Classification: Pathogenic. Last evaluated: 2024-04-18. Review status: criteria provided, single submitter. Criteria: ACMG Guidelines, 2015. Collection method: clinical testing. Allele origin: germline.

ARUP Laboratories, Molecular Genetics and Genomics, ARUP Laboratories
Classification: Pathogenic. Last evaluated: 2022-11-28. Review status: criteria provided, single submitter. Criteria: ARUP Molecular Germline Variant Investigation Process 2021. Collection method: clinical testing. Allele origin: germline.
Comment: The SPTA1 c.5431C>T; p.Arg1811Ter variant (rs770137350) is reported in the literature as a compound heterozygous variant in one individual affected with hereditary elliptocytosis (Pollet 2020). Sequencing analysis of mRNA from that patient demonstrates that expression of the allele carrying this mutation is strongly reduced (Pollet 2020). This variant is only observed on two alleles in the Genome Aggregation Database, indicating it is not a common polymorphism. This variant induces an early termination codon and is predicted to result in a truncated protein or mRNA subject to nonsense-mediated decay. Based on available information, this variant is considered to be pathogenic.

Literature cited by the submitters: PubMed 9192783 (cited by Labcorp Genetics (formerly Invitae), Labcorp); PubMed 18815189 (cited by Labcorp Genetics (formerly Invitae), Labcorp); PubMed 31333484 (cited by Labcorp Genetics (formerly Invitae), Labcorp); PubMed 31723846 (cited by Labcorp Genetics (formerly Invitae), Labcorp); PubMed 32266426 (cited by Labcorp Genetics (formerly Invitae), Labcorp).